The following is an entry in ClinVar:

NM_000494.4(COL17A1):c.4120A>G (p.Asn1374Asp)

Gene: COL17A1 (collagen type XVII alpha 1 chain; minus strand). Cytogenetic location: 10q25.1.
Variant type: single nucleotide variant.
Coding change: c.4120A>G on transcript NM_000494.4 (MANE Select); coding-DNA position 4120, A replaced by G.
Protein change: p.Asn1374Asp; replaces asparagine 1374 with aspartic acid.
Molecular consequence: missense variant.
Genome position (GRCh38, 1-based): chr10:104,033,981, T>C on the plus strand (A>G on the coding strand, the complement: COL17A1 is on the minus strand). VCF-style: chr10-104033981-T-C. GRCh37 (hg19) VCF-style: chr10-105793739-T-C.
Other names: short protein forms N1374D.
Identifiers: ClinVar variation 773803 (VCV000773803.12), dbSNP rs151151613, ClinGen allele CA5677714.

ClinVar aggregate classification (germline): Conflicting classifications of pathogenicity. Review status: criteria provided, conflicting classifications (1 of 4 stars). 3 submissions from 3 submitters: Uncertain significance (1); Likely benign (2). Last evaluated 2025-12-08.

Conditions:
Junctional epidermolysis bullosa, non-Herlitz type. Also called: EPIDERMOLYSIS BULLOSA JUNCTIONALIS, DISENTIS TYPE; EPIDERMOLYSIS BULLOSA JUNCTIONALIS, NON-HERLITZ TYPE; EPIDERMOLYSIS BULLOSA JUNCTIONALIS, PROGRESSIVE; EPIDERMOLYSIS BULLOSA JUNCTIONALIS, SEVERE NONLETHAL; COL17A1-Related Junctional Epidermolysis Bullosa; Epidermolysis bullosa, junctional, non-herlitz type, somatic mosaic revertant. Identifiers: Orphanet 251393, Orphanet 79402, Orphanet 79405, Orphanet 89840, MedGen C0268374, MONDO:0009180, OMIM 226650.

Allele frequency attached by ClinVar (database versions not stated): gnomAD 0.00014 and 0.00021; gnomAD exomes 0.00016 and 0.00039; TOPMed 0.00031; ExAC 0.00040; 1000 Genomes Project 0.00120; 1000 Genomes Project 30x 0.00125.
gnomAD v4.1: 259 of 1,614,150 alleles (0.016%); highest among the groups gnomAD compares: East Asian, 0.51%; 1 homozygote.

Submissions (3):

Labcorp Genetics (formerly Invitae), Labcorp
Classification: Likely benign. Last evaluated: 2025-12-08. Review status: criteria provided, single submitter. Criteria: Invitae Variant Classification Sherloc (09022015). Collection method: clinical testing. Allele origin: germline.

Blueprint Genetics
Classification: Uncertain significance. Last evaluated: 2024-10-04. Review status: criteria provided, single submitter. Criteria: ACMG Guidelines, 2015. Collection method: clinical testing. Allele origin: germline.

Illumina Laboratory Services, Illumina
Classification: Likely benign for Junctional epidermolysis bullosa, non-Herlitz type. Last evaluated: 2017-04-27. Review status: criteria provided, single submitter. Criteria: ICSL Variant Classification Criteria 13 December 2019. Collection method: clinical testing. Allele origin: germline.
Comment: This variant was observed as part of a predisposition screen in an ostensibly healthy population. A literature search was performed for the gene, cDNA change, and amino acid change (where applicable). Publications were found based on this search. The evidence from the literature, in combination with allele frequency data from public databases where available, was sufficient to determine this variant is unlikely to cause disease. Therefore, this variant is classified as likely benign.

Literature cited by the submitters: PubMed 24668667 (cited by Illumina Laboratory Services, Illumina).